The following is an entry in ClinVar:

ClinVar aggregate classification (germline): Likely pathogenic (1 of 4 stars; one submission).

Submission:

GeneDx
Classification: Likely pathogenic. Last evaluated: 2015-06-04. Review status: criteria provided, single submitter. Criteria: GeneDx Variant Classification (06012015). Collection method: clinical testing. Allele origin: germline. Affected: yes.
Comment: The G999V variant has not been published as a pathogenic variant, nor has it been reported as a benign polymorphism to our knowledge. The G999V variant was not observed in approximately 6,500 individuals of European and African American ancestry in the NHLBI Exome Sequencing Project, indicating it is not a common benign variant in these populations. This substitution occurs at a position that is conserved across species. In silico analysis predicts this variant is probably damaging to the protein structure/function. Furthermore, missense variants in the same residue (G999R, G999D) and in nearby residues (G996E, G996R, G1008D) have been reported in the Human Gene Mutation Database in association with Ehlers-Danlos syndrome type IV (Stenson et al., 2014), supporting the functional importance of this region of the protein. Moreover, the G999V variant affects a Glycine residue in a Gly-X-Y motif in the triple helical region of the COL3A1 gene, where the majority of missense variants occur (stenson et al., 2014; Symoens et al., 2012).Therefore, this variant is a strong candidate for a pathogenic variant, however the possibility that it is a benign variant cannot be excluded.

NM_000090.4(COL3A1):c.2996G>T (p.Gly999Val)

Gene: COL3A1 (collagen type III alpha 1 chain; plus strand). Cytogenetic location: 2q32.2.
Variant type: single nucleotide variant.
Coding change: c.2996G>T on transcript NM_000090.4 (MANE Select); coding-DNA position 2996, G replaced by T.
Protein change: p.Gly999Val; replaces glycine 999 with valine.
Molecular consequence: missense variant.
Genome position (GRCh38, 1-based): chr2:189,005,414, G>T. VCF-style: chr2-189005414-G-T. GRCh37 (hg19) VCF-style: chr2-189870140-G-T.
Other names: short protein forms G999V.
Identifiers: ClinVar variation 427110 (VCV000427110.2), dbSNP rs1085307964, ClinGen allele CA349844797.
Genomic context (GRCh38, chr2:189,005,414, plus strand): 5'-AAAGTGGGAAACCAGGAGCTAACGGTCTCAGTGGAGAACGTGGTCCCCCTGGACCCCAGG[G>T]TCTTCCTGGTCTGGCTGGTACAGCTGGTGAACCTGGAAGAGATGTGAGTAGCAGTTTTTA-3'
Protein context (NP_000081.2, residues 989-1009): SGERGPPGPQ[Gly999Val]LPGLAGTAGE